The following is an entry in ClinVar:

NM_004629.2(FANCG):c.1502A>C (p.Gln501Pro)

Gene: FANCG (FA complementation group G; minus strand). Cytogenetic location: 9p13.3.
Variant type: single nucleotide variant.
Coding change: c.1502A>C on transcript NM_004629.2 (MANE Select); coding-DNA position 1502, A replaced by C.
Protein change: p.Gln501Pro; replaces glutamine 501 with proline.
Molecular consequence: missense variant.
Genome position (GRCh38, 1-based): chr9:35,075,061, T>G on the plus strand (A>C on the coding strand, the complement: FANCG is on the minus strand). VCF-style: chr9-35075061-T-G. GRCh37 (hg19) VCF-style: chr9-35075058-T-G.
Other names: short protein forms Q501P.
Identifiers: ClinVar variation 4254427 (VCV004254427.1).

ClinVar aggregate classification (germline): Uncertain significance (1 of 4 stars; one submission).

Conditions:
Inborn genetic diseases. Identifiers: MedGen C0950123, MeSH D030342.

Submission:

Ambry Genetics
Classification: Uncertain significance for Inborn genetic diseases. Last evaluated: 2025-06-19. Review status: criteria provided, single submitter. Criteria: Ambry Variant Classification Scheme 2023. Collection method: clinical testing. Allele origin: germline.
Comment: The p.Q501P variant (also known as c.1502A>C), located in coding exon 12 of the FANCG gene, results from an A to C substitution at nucleotide position 1502. The glutamine at codon 501 is replaced by proline, an amino acid with similar properties. This amino acid position is conserved. In addition, this alteration is predicted to be tolerated by in silico analysis. Based on the available evidence, the clinical significance of this variant remains unclear.